The following is an entry in ClinVar:

ClinVar aggregate classification (germline): Uncertain significance. Review status: criteria provided, multiple submitters, no conflicts (2 of 4 stars). 3 submissions from 3 submitters: Uncertain significance (3). Last evaluated 2023-08-22.

Conditions:
Angelman syndrome (AS). Also called: HAPPY PUPPET SYNDROME. Identifiers: Orphanet 72, MedGen C0162635, MONDO:0007113, OMIM 105830. Disease mechanism: loss of function. Inheritance: AS is caused by disruption of maternally imprinted UBE3A located within the 15q11.2-q13 Angelman syndrome/Prader-Willi syndrome (AS/PWS) region., imprinting disorder.

Allele frequency attached by ClinVar (database versions not stated): gnomAD exomes below 0.00001; TOPMed below 0.00001; gnomAD 0.00001.
gnomAD v4.1: 5 of 1,613,778 alleles (0.00031%); highest among the groups gnomAD compares: African/African-American, 0.0067%; no homozygotes.

Submissions (3):

Revvity Omics, Revvity
Classification: Uncertain significance for Angelman syndrome. Last evaluated: 2023-08-22. Review status: criteria provided, single submitter. Criteria: ACMG Guidelines, 2015. Collection method: clinical testing. Allele origin: germline.

Labcorp Genetics (formerly Invitae), Labcorp
Classification: Uncertain significance for Angelman syndrome. Last evaluated: 2022-01-12. Review status: criteria provided, single submitter. Criteria: Invitae Variant Classification Sherloc (09022015). Collection method: clinical testing. Allele origin: germline.
Comment: In summary, the available evidence is currently insufficient to determine the role of this variant in disease. Therefore, it has been classified as a Variant of Uncertain Significance. Algorithms developed to predict the effect of missense changes on protein structure and function are either unavailable or do not agree on the potential impact of this missense change (SIFT: "Not Available"; PolyPhen-2: "Benign"; Align-GVGD: "Not Available"). ClinVar contains an entry for this variant (Variation ID: 546311). This variant has not been reported in the literature in individuals affected with UBE3A-related conditions. This variant is present in population databases (no rsID available, gnomAD 0.01%). This sequence change replaces threonine, which is neutral and polar, with serine, which is neutral and polar, at codon 151 of the UBE3A protein (p.Thr151Ser).

GeneDx
Classification: Uncertain significance. Last evaluated: 2018-05-11. Review status: criteria provided, single submitter. Criteria: GeneDx Variant Classification (06012015). Collection method: clinical testing. Allele origin: germline. Affected: yes.
Comment: The T151S variant in the UBE3A gene has not been reported previously as a pathogenic variant, nor as a benign variant, to our knowledge. The T151S variant is observed in 1/8724 (0.01%) alleles from individuals of African background in large population cohorts (Lek et al., 2016). The T151S variant is a conservative amino acid substitution, which is not likely to impact secondary protein structure as these residues share similar properties. In silico analyses, including protein predictors and evolutionary conservation, support that this variant does not alter protein structure/function. However, the majority of missense variants in the UBE3A gene are considered pathogenic (Stenson et al., 2014). We interpret T151S as a variant of uncertain significance.

NM_130839.5(UBE3A):c.512C>G (p.Thr171Ser)

Genes: SNHG14 (small nucleolar RNA host gene 14; plus strand), UBE3A (ubiquitin protein ligase E3A; minus strand). Cytogenetic location: 15q11.2.
Variant type: single nucleotide variant.
Coding change: c.512C>G on transcript NM_130839.5 (MANE Select); coding-DNA position 512, C replaced by G.
Protein change: p.Thr171Ser; replaces threonine 171 with serine.
Molecular consequence: missense variant. On other transcripts: non-coding transcript variant (1), intron variant (2).
Genome position (GRCh38, 1-based): chr15:25,371,662, G>C on the plus strand (C>G on the coding strand, the complement: UBE3A is on the minus strand). VCF-style: chr15-25371662-G-C. GRCh37 (hg19) VCF-style: chr15-25616809-G-C.
Other names: c.521C>G, p.Thr174Ser (NM_000462.5); c.512C>G, p.Thr171Ser (NM_001354505.1, NM_001354538.2, NM_001354545.2); c.452C>G, p.Thr151Ser (NM_001354506.2, NM_001354507.2, NM_001354508.2 and 17 more transcripts); c.335C>G, p.Thr112Ser (NM_001354546.2); c.301+3803C>G (NM_001354551.2); c.361+3803C>G (NM_001354550.2); short protein forms T151S, T112S, T171S, T174S.
Identifiers: ClinVar variation 546311 (VCV000546311.10), dbSNP rs1383474985, ClinGen allele CA391355689.
Genomic context (GRCh38, chr15:25,371,662, plus strand): 5'-TCCTTTTCATCTTCATCTTTGTCTTCATCTTTTGCTTGAAGAGATTTCAGTTCTTCCTTG[G>C]TGTGTTGTTTAACTTTCCGGAAGCTCTGTACCAATGCCTCAGCACTAGAAAAAACTCTTC-3'
Protein context (NP_570854.1, residues 161-181): VQSFRKVKQH[Thr171Ser]KEELKSLQAK